The following is an entry in ClinVar:

NM_003850.3(SUCLA2):c.1229-11A>G

Gene: SUCLA2 (succinate-CoA ligase ADP-forming subunit beta; minus strand). Cytogenetic location: 13q14.2.
Variant type: single nucleotide variant.
Coding change: c.1229-11A>G on transcript NM_003850.3 (MANE Select); 11 bases into the intron before coding-DNA position 1229, A replaced by G.
Molecular consequence: intron variant.
Genome position (GRCh38, 1-based): chr13:47,949,039, T>C on the plus strand (A>G on the coding strand, the complement: SUCLA2 is on the minus strand). VCF-style: chr13-47949039-T-C. GRCh37 (hg19) VCF-style: chr13-48523174-T-C.
Identifiers: ClinVar variation 2125089 (VCV002125089.4), dbSNP rs751641929, ClinGen allele CA6977802.

ClinVar aggregate classification (germline): Uncertain significance (1 of 4 stars; one submission).

Conditions:
Mitochondrial DNA depletion syndrome, encephalomyopathic form with methylmalonic aciduria (MTDPS5). Also called: SUCLA2-Related Mitochondrial DNA Depletion Syndrome, Encephalomyopathic Form with Methylmalonic Aciduria; Mitochondrial encephalomyopathy aminoacidopathy; MITOCHONDRIAL DNA DEPLETION SYNDROME, ENCEPHALOMYOPATHIC FORM, WITH OR WITHOUT METHYLMALONIC ACIDURIA, AUTOSOMAL RECESSIVE, SUCLA2-RELATED; Mitochondrial DNA depletion syndrome 5 (encephalomyopathic with or without methylmalonic aciduria). Identifiers: Orphanet 1933, MedGen C5980207, MONDO:0012791, OMIM 612073.

Allele frequency attached by ClinVar (database versions not stated): gnomAD exomes below 0.00001; ExAC 0.00001.
gnomAD v4.1: 2 of 1,612,226 alleles (0.00012%); highest among the groups gnomAD compares: African/African-American, 0.0027%; no homozygotes.

Submission:

Labcorp Genetics (formerly Invitae), Labcorp
Classification: Uncertain significance for Mitochondrial DNA depletion syndrome, encephalomyopathic form with methylmalonic aciduria. Last evaluated: 2022-04-12. Review status: criteria provided, single submitter. Criteria: Invitae Variant Classification Sherloc (09022015). Collection method: clinical testing. Allele origin: germline.
Comment: In summary, the available evidence is currently insufficient to determine the role of this variant in disease. Therefore, it has been classified as a Variant of Uncertain Significance. Algorithms developed to predict the effect of sequence changes on RNA splicing suggest that this variant may disrupt the consensus splice site. This variant has not been reported in the literature in individuals affected with SUCLA2-related conditions. This variant is not present in population databases (gnomAD no frequency). This sequence change falls in intron 9 of the SUCLA2 gene. It does not directly change the encoded amino acid sequence of the SUCLA2 protein.